The following is an entry in ClinVar:

NM_130839.5(UBE3A):c.1477G>A (p.Asp493Asn)

Genes: SNHG14 (small nucleolar RNA host gene 14; plus strand), UBE3A (ubiquitin protein ligase E3A; minus strand). Cytogenetic location: 15q11.2.
Variant type: single nucleotide variant.
Coding change: c.1477G>A on transcript NM_130839.5 (MANE Select); coding-DNA position 1477, G replaced by A.
Protein change: p.Asp493Asn; replaces aspartic acid 493 with asparagine.
Molecular consequence: missense variant. On other transcripts: non-coding transcript variant (1), intron variant (2).
Genome position (GRCh38, 1-based): chr15:25,370,697, C>T on the plus strand (G>A on the coding strand, the complement: UBE3A is on the minus strand). VCF-style: chr15-25370697-C-T. GRCh37 (hg19) VCF-style: chr15-25615844-C-T.
Other names: c.1486G>A, p.Asp496Asn (NM_000462.5); c.1477G>A, p.Asp493Asn (NM_001354505.1, NM_001354538.2, NM_001354545.2); c.1417G>A, p.Asp473Asn (NM_001354506.2, NM_001354507.2, NM_001354508.2 and 17 more transcripts); c.301+4768G>A (NM_001354551.2); c.361+4768G>A (NM_001354550.2); c.1300G>A, p.Asp434Asn (NM_001354546.2); short protein forms D493N, D434N, D496N, D473N.
Identifiers: ClinVar variation 1046274 (VCV001046274.8), dbSNP rs2080181277, ClinGen allele CA391353505.

ClinVar aggregate classification (germline): Uncertain significance (1 of 4 stars; one submission).

Conditions:
Angelman syndrome (AS). Also called: HAPPY PUPPET SYNDROME. Identifiers: Orphanet 72, MedGen C0162635, MONDO:0007113, OMIM 105830. Disease mechanism: loss of function. Inheritance: AS is caused by disruption of maternally imprinted UBE3A located within the 15q11.2-q13 Angelman syndrome/Prader-Willi syndrome (AS/PWS) region., imprinting disorder.

Submission:

Labcorp Genetics (formerly Invitae), Labcorp
Classification: Uncertain significance for Angelman syndrome. Last evaluated: 2020-03-14. Review status: criteria provided, single submitter. Criteria: Invitae Variant Classification Sherloc (09022015). Collection method: clinical testing. Allele origin: germline.
Comment: In summary, the available evidence is currently insufficient to determine the role of this variant in disease. Therefore, it has been classified as a Variant of Uncertain Significance. Algorithms developed to predict the effect of missense changes on protein structure and function are either unavailable or do not agree on the potential impact of this missense change (SIFT: "Not Available"; PolyPhen-2: "Possibly Damaging"; Align-GVGD: "Not Available"). This variant has not been reported in the literature in individuals with UBE3A-related conditions. This variant is not present in population databases (ExAC no frequency). This sequence change replaces aspartic acid with asparagine at codon 473 of the UBE3A protein (p.Asp473Asn). The aspartic acid residue is highly conserved and there is a small physicochemical difference between aspartic acid and asparagine.